The following is an entry in ClinVar:

ClinVar aggregate classification (germline): Uncertain significance (1 of 4 stars; one submission).

gnomAD v4.1: 5 of 1,613,138 alleles (0.00031%); highest among the groups gnomAD compares: Non-Finnish European, 0.00042%; no homozygotes.

Submission:

Labcorp Genetics (formerly Invitae), Labcorp
Classification: Uncertain significance. Last evaluated: 2025-12-23. Review status: criteria provided, single submitter. Criteria: Invitae Variant Classification Sherloc (09022015). Collection method: clinical testing. Allele origin: germline.
Comment: This sequence change replaces aspartic acid, which is acidic and polar, with glutamic acid, which is acidic and polar, at codon 441 of the CDH2 protein (p.Asp441Glu). This variant is present in population databases (rs748210936, gnomAD 0.004%). This variant has not been reported in the literature in individuals affected with CDH2-related conditions. ClinVar contains an entry for this variant (Variation ID: 1424751). An algorithm developed to predict the effect of missense changes on protein structure and function (PolyPhen-2) suggests that this variant is likely to be tolerated. In summary, the available evidence is currently insufficient to determine the role of this variant in disease. Therefore, it has been classified as a Variant of Uncertain Significance.

NM_001792.5(CDH2):c.1323C>A (p.Asp441Glu)

Gene: CDH2 (cadherin 2; minus strand). Cytogenetic location: 18q12.1.
Variant type: single nucleotide variant.
Coding change: c.1323C>A on transcript NM_001792.5 (MANE Select); coding-DNA position 1323, C replaced by A.
Protein change: p.Asp441Glu; replaces aspartic acid 441 with glutamic acid.
Molecular consequence: missense variant.
Genome position (GRCh38, 1-based): chr18:27,992,676, G>T on the plus strand (C>A on the coding strand, the complement: CDH2 is on the minus strand). VCF-style: chr18-27992676-G-T. GRCh37 (hg19) VCF-style: chr18-25572640-G-T.
Other names: c.1230C>A, p.Asp410Glu (NM_001308176.2); short protein forms D441E, D410E.
Identifiers: ClinVar variation 1424751 (VCV001424751.6), dbSNP rs748210936, ClinGen allele CA8923453.